The following is an entry in ClinVar:

ClinVar aggregate classification (germline): Uncertain significance (1 of 4 stars; one submission).

Submission:

GeneDx
Classification: Uncertain significance. Last evaluated: 2026-03-30. Review status: criteria provided, single submitter. Criteria: GeneDx Variant Classification Process June 2021. Collection method: clinical testing. Allele origin: germline.
Comment: Not observed at significant frequency in large population cohorts (gnomAD); In silico analysis suggests that this missense variant does not alter protein structure/function; Has not been previously published as pathogenic or benign to our knowledge

NM_024009.3(GJB3):c.758C>G (p.Pro253Arg)

Gene: GJB3 (gap junction protein beta 3; plus strand). Cytogenetic location: 1p34.3.
Variant type: single nucleotide variant.
Coding change: c.758C>G on transcript NM_024009.3 (MANE Select); coding-DNA position 758, C replaced by G.
Protein change: p.Pro253Arg; replaces proline 253 with arginine.
Molecular consequence: missense variant.
Genome position (GRCh38, 1-based): chr1:34,785,520, C>G. VCF-style: chr1-34785520-C-G. GRCh37 (hg19) VCF-style: chr1-35251121-C-G.
Other names: c.758C>G, p.Pro253Arg (NM_001005752.2); short protein forms P253R.
Identifiers: ClinVar variation 5017615 (VCV005017615.1).